The following is an entry in ClinVar:

NM_001256545.2(MEGF10):c.1099C>T (p.Arg367Trp)

Gene: MEGF10 (multiple EGF like domains 10; plus strand). Cytogenetic location: 5q23.2.
Variant type: single nucleotide variant.
Coding change: c.1099C>T on transcript NM_001256545.2 (MANE Select); coding-DNA position 1099, C replaced by T.
Protein change: p.Arg367Trp; replaces arginine 367 with tryptophan.
Molecular consequence: missense variant.
Genome position (GRCh38, 1-based): chr5:127,410,570, C>T. VCF-style: chr5-127410570-C-T. GRCh37 (hg19) VCF-style: chr5-126746262-C-T.
Other names: c.1099C>T, p.Arg367Trp (NM_001308119.2, NM_001308121.2, NM_032446.3); short protein forms R367W.
Identifiers: ClinVar variation 2430492 (VCV002430492.3), dbSNP rs377470998, ClinGen allele CA3391480.

ClinVar aggregate classification (germline): Uncertain significance. Review status: criteria provided, multiple submitters, no conflicts (2 of 4 stars). 2 submissions from 2 submitters: Uncertain significance (2). Last evaluated 2023-10-25.

Conditions:
Inborn genetic diseases. Identifiers: MedGen C0950123, MeSH D030342.
MEGF10-related disorder. Also called: MEGF10-related condition.

Allele frequency attached by ClinVar (database versions not stated): gnomAD 0.00002; ExAC 0.00004; ESP Exome Variant Server 0.00008.
gnomAD v4.1: 57 of 1,610,414 alleles (0.0035%); highest among the groups gnomAD compares: Admixed American, 0.005%; no homozygotes.

Submissions (2):

Ambry Genetics
Classification: Uncertain significance for Inborn genetic diseases. Last evaluated: 2023-10-25. Review status: criteria provided, single submitter. Criteria: Ambry Variant Classification Scheme 2023. Collection method: clinical testing. Allele origin: germline.

GeneDx
Classification: Uncertain significance. Last evaluated: 2022-08-19. Review status: criteria provided, single submitter. Criteria: GeneDx Variant Classification Process June 2021. Collection method: clinical testing. Allele origin: germline. Affected: yes.
Comment: Not observed at significant frequency in large population cohorts (gnomAD); In silico analysis supports that this missense variant does not alter protein structure/function; Has not been previously published as pathogenic or benign to our knowledge